The following is an entry in ClinVar:

ClinVar aggregate classification (germline): Conflicting classifications of pathogenicity. Review status: criteria provided, conflicting classifications (1 of 4 stars). 4 submissions from 4 submitters: Uncertain significance (3); Likely benign (1). Last evaluated 2026-10-01.

Conditions:
Hereditary spastic paraplegia. Also called: Familial spastic paraparesis. Identifiers: Orphanet 685, MedGen C0037773, MONDO:0019064. Disease mechanism: loss of function.

Allele frequency attached by ClinVar (database versions not stated): gnomAD 0.00023 and 0.00026; ExAC 0.00014; gnomAD exomes 0.00003 and 0.00011; TOPMed 0.00029; ESP Exome Variant Server 0.00046.
gnomAD v4.1: 75 of 1,614,090 alleles (0.0046%); highest among the groups gnomAD compares: African/African-American, 0.092%; no homozygotes.

Submissions (4):

GeneDx
Classification: Uncertain significance. Last evaluated: 2026-10-01. Review status: criteria provided, single submitter. Criteria: GeneDx Variant Classification Process June 2021. Collection method: clinical testing. Allele origin: germline.
Comment: Has not been previously published as pathogenic or benign to our knowledge; In silico analysis suggests that this missense variant does not alter protein structure/function

Labcorp Genetics (formerly Invitae), Labcorp
Classification: Likely benign. Last evaluated: 2025-12-20. Review status: criteria provided, single submitter. Criteria: Invitae Variant Classification Sherloc (09022015). Collection method: clinical testing. Allele origin: germline.

Mayo Clinic Laboratories, Mayo Clinic
Classification: Uncertain significance. Last evaluated: 2024-07-22. Review status: criteria provided, single submitter. Criteria: ACMG Guidelines, 2015. Collection method: clinical testing. Allele origin: germline. Observed: 1 variant allele.
Comment: BP4_moderate

Genome Diagnostics Laboratory, The Hospital for Sick Children
Classification: Uncertain significance for Hereditary spastic paraplegia. Last evaluated: 2019-05-01. Review status: criteria provided, single submitter. Criteria: ACMG Guidelines, 2015. Collection method: clinical testing. Allele origin: germline. Affected: yes.

NM_021830.5(TWNK):c.689G>T (p.Gly230Val)

Gene: TWNK (twinkle mtDNA helicase; plus strand). Cytogenetic location: 10q24.31.
Variant type: single nucleotide variant.
Coding change: c.689G>T on transcript NM_021830.5 (MANE Select); coding-DNA position 689, G replaced by T.
Protein change: p.Gly230Val; replaces glycine 230 with valine.
Molecular consequence: missense variant. On other transcripts: non-coding transcript variant (4), intron variant (3).
Genome position (GRCh38, 1-based): chr10:100,988,899, G>T. VCF-style: chr10-100988899-G-T. GRCh37 (hg19) VCF-style: chr10-102748656-G-T.
Other names: p.Gly230Val; c.689G>T, p.Gly230Val (NM_001163812.2); c.-119-745G>T (NM_001163814.2, NM_001163813.2); c.-57-807G>T (NM_001368275.1); short protein forms G230V.
Identifiers: ClinVar variation 1183388 (VCV001183388.17), dbSNP rs142978552, ClinGen allele CA5653101.
Genomic context (GRCh38, chr10:100,988,899, plus strand): 5'-CCCCTGGGGGCTCAGGATTACGAGGCCTGAAGCTCCTAGAGGCTAAATGCCAGGGGGATG[G>T]AGTGAGCTACGAGGAAACCACTATTCCCCGACCCAGCGCCTACCACAATCTGTTTGGATT-3'
Protein context (NP_068602.2, residues 220-240): KLLEAKCQGD[Gly230Val]VSYEETTIPR